The following is an entry in ClinVar:

ClinVar aggregate classification (germline): Likely benign. Review status: criteria provided, multiple submitters, no conflicts (2 of 4 stars). 2 submissions from 2 submitters: Likely benign (2). Last evaluated 2017-04-27.

Conditions:
Congenital brain dysgenesis due to glutamine synthetase deficiency (GLND). Also called: GLUTAMINE SYNTHASE DEFICIENCY, CONGENITAL SYSTEMIC. Identifiers: Orphanet 71278, MedGen C1864910, MONDO:0012393, OMIM 610015.

Allele frequency attached by ClinVar (database versions not stated): 1000 Genomes Project 30x 0.03560; gnomAD 0.03029 and 0.03233; 1000 Genomes Project 0.03335; TOPMed 0.03419.

Submissions (2):

Illumina Laboratory Services, Illumina
Classification: Likely benign for Congenital brain dysgenesis due to glutamine synthetase deficiency. Last evaluated: 2017-04-27. Review status: criteria provided, single submitter. Criteria: ICSL Variant Classification Criteria 13 December 2019. Collection method: clinical testing. Allele origin: germline.
Comment: This variant was observed as part of a predisposition screen in an ostensibly healthy population. A literature search was performed for the gene, cDNA change, and amino acid change (where applicable). No publications were found based on this search. Allele frequency data from public databases allowed determination this variant is unlikely to cause disease. Therefore, this variant is classified as likely benign.

Breakthrough Genomics
Classification: Likely benign. Review status: criteria provided, single submitter. Criteria: ACMG Guidelines, 2015. Collection method: not provided. Allele origin: germline. Inheritance: Autosomal recessive inheritance. Affected: yes.

NM_001033044.4(GLUL):c.*922A>G

Gene: GLUL (glutamate-ammonia ligase; minus strand). Cytogenetic location: 1q25.3.
Variant type: single nucleotide variant.
Coding change: c.*922A>G on transcript NM_001033044.4 (MANE Select); 922 bases downstream of the stop codon, A replaced by G.
Molecular consequence: 3 prime UTR variant.
Genome position (GRCh38, 1-based): chr1:182,383,483, T>C on the plus strand (A>G on the coding strand, the complement: GLUL is on the minus strand). VCF-style: chr1-182383483-T-C. GRCh37 (hg19) VCF-style: chr1-182352618-T-C.
Other names: c.*922A>G (NM_001033056.4, NM_002065.7).
Identifiers: ClinVar variation 293924 (VCV000293924.6), dbSNP rs8762, ClinGen allele CA10608367.